The following is an entry in ClinVar:

NM_130837.3(OPA1):c.*1343A>G

Gene: OPA1 (OPA1 mitochondrial dynamin like GTPase; plus strand). Cytogenetic location: 3q29.
Variant type: single nucleotide variant.
Coding change: c.*1343A>G on transcript NM_130837.3 (MANE Select); 1343 bases downstream of the stop codon, A replaced by G.
Molecular consequence: 3 prime UTR variant.
Genome position (GRCh38, 1-based): chr3:193,695,943, A>G. VCF-style: chr3-193695943-A-G. GRCh37 (hg19) VCF-style: chr3-193413732-A-G.
Other names: c.*1343A>G (NM_001354663.2, NM_001354664.2, NM_015560.3 and 6 more transcripts).
Identifiers: ClinVar variation 344501 (VCV000344501.6), dbSNP rs1056366, ClinGen allele CA10618282.

ClinVar aggregate classification (germline): Benign. Review status: criteria provided, multiple submitters, no conflicts (2 of 4 stars). 2 submissions from 2 submitters: Benign (2). Last evaluated 2018-01-12.

Conditions:
Autosomal dominant optic atrophy classic form (OPA1). Also called: KJER-TYPE OPTIC ATROPHY; OPTIC ATROPHY, JUVENILE; Optic Atrophy Type 1. Identifiers: Orphanet 98673, MedGen C0338508, MONDO:0008134, OMIM 165500.

Allele frequency attached by ClinVar (database versions not stated): gnomAD 0.65902 and 0.65975; TOPMed 0.66135; 1000 Genomes Project 30x 0.69363; 1000 Genomes Project 0.69629; gnomAD exomes 1.00000.
gnomAD v4.1: 100,372 of 152,114 alleles (66%); highest among the groups gnomAD compares: East Asian, 73%; 33,476 homozygotes.

Submissions (2):

Illumina Laboratory Services, Illumina
Classification: Benign for Autosomal dominant optic atrophy classic form. Last evaluated: 2018-01-12. Review status: criteria provided, single submitter. Criteria: ICSL Variant Classification Criteria 13 December 2019. Collection method: clinical testing. Allele origin: germline.
Comment: This variant was observed in the ICSL laboratory as part of a predisposition screen in an ostensibly healthy population. It had not been previously curated by ICSL or reported in the Human Gene Mutation Database (HGMD: prior to June 1st, 2018), and was therefore a candidate for classification through an automated scoring system. Utilizing variant allele frequency, disease prevalence and penetrance estimates, and inheritance mode, an automated score was calculated to assess if this variant is too frequent to cause the disease. Based on the score and internal cut-off values, a variant classified as benign is not then subjected to further curation. The score for this variant resulted in a classification of benign for this disease.

Breakthrough Genomics
Classification: Benign. Review status: criteria provided, single submitter. Criteria: ACMG Guidelines, 2015. Collection method: not provided. Allele origin: germline. Inheritance: Autosomal recessive inheritance. Affected: yes.